The following is an entry in ClinVar:

ClinVar aggregate classification (germline): Pathogenic/Likely pathogenic. Review status: criteria provided, multiple submitters, no conflicts (2 of 4 stars). 3 submissions from 3 submitters: Pathogenic (2); Likely pathogenic (1). Last evaluated 2025-11-09.

Conditions:
Alstrom syndrome (ALMS). Identifiers: Orphanet 64, MedGen C0268425, MONDO:0008763, OMIM 203800.

gnomAD v4.1: 1 of 1,613,988 alleles (0.000062%); highest among the groups gnomAD compares: South Asian, 0.0011%; no homozygotes.

Submissions (3):

Natera, Inc.
Classification: Pathogenic for Alstrom syndrome. Last evaluated: 2025-11-09. Review status: criteria provided, single submitter. Criteria: Natera Variant Classification Schema (03/2026). Collection method: clinical testing. Allele origin: germline.
Comment: The c.4393C>T variant in ALMS1 is a nonsense variant predicted to introduce a stop codon at amino acid 1465. This variant is expected to result in nonsense mediated decay, truncation, or a dysfunctional protein product. This variant is rare in the general population with a frequency below the threshold expected for the associated phenotype(s). This variant has been observed in one or more individuals affected with the associated recessive disease, as either homozygous or compound heterozygous with a second variant (PMID: 39264219). Given the available evidence, this variant is classified as Pathogenic.

Labcorp Genetics (formerly Invitae), Labcorp
Classification: Pathogenic for Alstrom syndrome. Last evaluated: 2023-10-20. Review status: criteria provided, single submitter. Criteria: Invitae Variant Classification Sherloc (09022015). Collection method: clinical testing. Allele origin: germline.
Comment: This sequence change creates a premature translational stop signal (p.Gln1465*) in the ALMS1 gene. It is expected to result in an absent or disrupted protein product. Loss-of-function variants in ALMS1 are known to be pathogenic (PMID: 17594715). This variant is not present in population databases (gnomAD no frequency). This variant has not been reported in the literature in individuals affected with ALMS1-related conditions. ClinVar contains an entry for this variant (Variation ID: 529397). For these reasons, this variant has been classified as Pathogenic.

Women's Health and Genetics/Laboratory Corporation of America, LabCorp
Classification: Likely pathogenic for Alstrom syndrome. Last evaluated: 2022-03-29. Review status: criteria provided, single submitter. Criteria: LabCorp Variant Classification Summary - May 2015. Collection method: clinical testing. Allele origin: germline.
Comment: Variant summary: ALMS1 c.4387C>T/p.Gln1463X (also known as c.4393C>T/p.Gln1465Ter in RefSeq) results in a premature termination codon, predicted to cause a truncation of the encoded protein or absence of the protein due to nonsense mediated decay, which are commonly known mechanisms for disease. Truncations downstream of this position have been classified as pathogenic by our laboratory. The variant was absent in 249228 control chromosomes. To our knowledge, no occurrence of c.4387C>T in individuals affected with Alstrom Syndrome and no experimental evidence demonstrating its impact on protein function have been reported. One clinical diagnostic laboratory has submitted clinical-significance assessments for this variant to ClinVar after 2014 without evidence for independent evaluation and classified the variant as pathogenic. Based on the evidence outlined above, the variant was classified as likely pathogenic.

Literature cited by the submitters: PubMed 39264219 (cited by Natera, Inc.); PubMed 17594715 (cited by Labcorp Genetics (formerly Invitae), Labcorp).

NM_001378454.1(ALMS1):c.4390C>T (p.Gln1464Ter)

Gene: ALMS1 (ALMS1 centrosome and basal body associated protein; plus strand). Cytogenetic location: 2p13.1.
Variant type: single nucleotide variant.
Coding change: c.4390C>T on transcript NM_001378454.1 (MANE Select); coding-DNA position 4390, C replaced by T.
Protein change: p.Gln1464Ter; replaces glutamine 1464 with a stop codon.
Molecular consequence: nonsense.
Genome position (GRCh38, 1-based): chr2:73,450,917, C>T. VCF-style: chr2-73450917-C-T. GRCh37 (hg19) VCF-style: chr2-73678044-C-T.
Other names: c.4393C>T, p.Gln1465Ter (NM_015120.4); short protein forms Q1465*, Q1464*.
Identifiers: ClinVar variation 529397 (VCV000529397.10), dbSNP rs904289501, ClinGen allele CA347278440.